The following is an entry in ClinVar:

NM_002769.5(PRSS1):c.730G>T (p.Ala244Ser)

Genes: PRSS1 (serine protease 1; plus strand), TRB (T cell receptor beta locus; plus strand). Cytogenetic location: 7q34.
Variant type: single nucleotide variant.
Coding change: c.730G>T on transcript NM_002769.5 (MANE Select); coding-DNA position 730, G replaced by T.
Protein change: p.Ala244Ser; replaces alanine 244 with serine.
Molecular consequence: missense variant. On other transcripts: non-coding transcript variant (5).
Genome position (GRCh38, 1-based): chr7:142,753,006, G>T. VCF-style: chr7-142753006-G-T. GRCh37 (hg19) VCF-style: chr7-142460857-G-T.
Other names: short protein forms A244S.
Identifiers: ClinVar variation 3939039 (VCV003939039.1).

ClinVar aggregate classification (germline): Uncertain significance (1 of 4 stars; one submission).

Conditions:
Hereditary pancreatitis (PCTT). Also called: Hereditary chronic pancreatitis; PRSS1-Related Hereditary Pancreatitis. Identifiers: Orphanet 676, MedGen C0238339, MONDO:0008185, OMIM 167800.

Submission:

Ambry Genetics
Classification: Uncertain significance for Hereditary pancreatitis. Last evaluated: 2025-05-24. Review status: criteria provided, single submitter. Criteria: Ambry Variant Classification Scheme 2023. Collection method: clinical testing. Allele origin: germline.
Comment: The p.A244S variant (also known as c.730G>T), located in coding exon 5 of the PRSS1 gene, results from a G to T substitution at nucleotide position 730. The alanine at codon 244 is replaced by serine, an amino acid with similar properties. This amino acid position is conserved. In addition, this alteration is predicted to be tolerated by in silico analysis. Based on the available evidence, the clinical significance of this variant remains unclear.